The following is an entry in ClinVar:

ClinVar aggregate classification (germline): Uncertain significance (1 of 4 stars; one submission).

Submission:

Women's Health and Genetics/Laboratory Corporation of America, LabCorp
Classification: Uncertain significance. Last evaluated: 2020-04-06. Review status: criteria provided, single submitter. Criteria: LabCorp Variant Classification Summary - May 2015. Collection method: clinical testing. Allele origin: germline.
Comment: Variant summary: SOS1 c.2864_2944dup81 (p.Leu955_Leu981dup) results in an in-frame duplication that is predicted to duplicate 27 amino acids into the encoded protein. The variant was absent in 250724 control chromosomes (gnomAD). The available data on variant occurrences in the general population are insufficient to allow any conclusion about variant significance. To our knowledge, no occurrence of c.2864_2944dup81 in individuals affected with Noonan Syndrome and Related Conditions and no experimental evidence demonstrating its impact on protein function have been reported. No clinical diagnostic laboratories have submitted clinical-significance assessments for this variant to ClinVar after 2014. Based on the evidence outlined above, the variant was classified as uncertain significance.

NM_005633.4(SOS1):c.2864_2944dup (p.Leu955_Leu981dup)

Gene: SOS1 (SOS Ras/Rac guanine nucleotide exchange factor 1; minus strand). Cytogenetic location: 2p22.1.
Variant type: Duplication.
Coding change: c.2864_2944dup on transcript NM_005633.4 (MANE Select); coding-DNA positions 2864 to 2944, 81 bases duplicated.
Protein change: p.Leu955_Leu981dup.
Molecular consequence: inframe insertion.
Genome position (GRCh38, 1-based): chr2:38,997,273-38,997,353, 81 bases duplicated. GRCh37 (hg19): chr2:39,224,415-39,224,495.
Other names: c.2843_2923dup, p.Leu948_Leu974dup (NM_001382394.1); c.2864_2944dup, p.Leu955_Leu981dup (NM_001382395.1).
Identifiers: ClinVar variation 917774 (VCV000917774.1), dbSNP rs1668926020, ClinGen allele CA1139656903.